The following is an entry in ClinVar:

ClinVar aggregate classification (germline): Uncertain significance. Review status: criteria provided, multiple submitters, no conflicts (2 of 4 stars). 3 submissions from 3 submitters: Uncertain significance (3). Last evaluated 2026-05-21.

Conditions:
Cardiovascular phenotype. Identifiers: MedGen CN230736.
ALPK3-related disorder. Also called: ALPK3-related condition.

Allele frequency attached by ClinVar (database versions not stated): TOPMed 0.00002; gnomAD 0.00004 and 0.00003; gnomAD exomes 0.00004; ExAC 0.00006.

Submissions (3):

PreventionGenetics, part of Exact Sciences
Classification: Uncertain significance for ALPK3-related condition. Last evaluated: 2026-05-21. Review status: criteria provided, single submitter. Criteria: ACMG Guidelines, 2015. Collection method: clinical testing. Allele origin: germline.
Comment: The ALPK3 c.302G>A variant is predicted to result in the amino acid substitution p.Gly101Glu. To our knowledge, this variant has not been reported in the literature. This variant is reported in 0.0078% of alleles in individuals of European (Non-Finnish) descent in gnomAD. At this time, the clinical significance of this variant is uncertain due to the absence of conclusive functional and genetic evidence.

Labcorp Genetics (formerly Invitae), Labcorp
Classification: Uncertain significance. Last evaluated: 2025-09-24. Review status: criteria provided, single submitter. Criteria: Invitae Variant Classification Sherloc (09022015). Collection method: clinical testing. Allele origin: germline.
Comment: This sequence change replaces glycine, which is neutral and non-polar, with glutamic acid, which is acidic and polar, at codon 101 of the ALPK3 protein (p.Gly101Glu). This variant is present in population databases (rs774834870, gnomAD 0.007%). This variant has not been reported in the literature in individuals affected with ALPK3-related conditions. ClinVar contains an entry for this variant (Variation ID: 1439031). An algorithm developed to predict the effect of missense changes on protein structure and function (PolyPhen-2) suggests that this variant is likely to be disruptive. In summary, the available evidence is currently insufficient to determine the role of this variant in disease. Therefore, it has been classified as a Variant of Uncertain Significance.

Ambry Genetics
Classification: Uncertain significance for Cardiovascular phenotype. Last evaluated: 2022-03-22. Review status: criteria provided, single submitter. Criteria: Ambry Variant Classification Scheme 2023. Collection method: clinical testing. Allele origin: germline.
Comment: The p.G101E variant (also known as c.302G>A), located in coding exon 1 of the ALPK3 gene, results from a G to A substitution at nucleotide position 302. The glycine at codon 101 is replaced by glutamic acid, an amino acid with similar properties. This amino acid position is conserved. In addition, this alteration is predicted to be tolerated by in silico analysis. Since supporting evidence is limited at this time, the clinical significance of this alteration remains unclear.

NC_000015.10:g.84817148G>A

Gene: ALPK3 (alpha kinase 3; plus strand). Cytogenetic location: 15q25.3.
Variant type: single nucleotide variant.
Genome position: GRCh38 VCF-style: chr15-84817148-G-A. GRCh37 (hg19) VCF-style: chr15-85360379-G-A.
Other names: short protein forms G101E.
Identifiers: ClinVar variation 1439031 (VCV001439031.8), dbSNP rs774834870, ClinGen allele CA7708830.